The following is an entry in ClinVar:

ClinVar aggregate classification (germline): Conflicting classifications of pathogenicity. Review status: criteria provided, conflicting classifications (1 of 4 stars). 4 submissions from 4 submitters: Uncertain significance (3); Likely benign (1). Last evaluated 2026-02-02.

Conditions:
Hereditary breast ovarian cancer syndrome. Also called: Hereditary breast and/or ovarian cancer syndrome; BRCA1- and BRCA2-Associated Hereditary Breast and Ovarian Cancer; Hereditary breast and ovarian cancer syndrome; Hereditary breast and ovarian cancer; Hereditary breast and ovarian cancer syndrome (HBOC); Breast and ovarian cancer. Identifiers: Orphanet 145, MedGen C0677776, MeSH D061325, MONDO:0003582. Disease mechanism: loss of function.
Breast-ovarian cancer, familial, susceptibility to, 1 (BROVCA1). Also called: BRCA1 Hereditary Breast and Ovarian Cancer; OVARIAN CANCER, SUSCEPTIBILITY TO. Identifiers: Orphanet 145, MedGen C2676676, MONDO:0011450, OMIM 604370. Disease mechanism: loss of function.
Hereditary cancer-predisposing syndrome. Also called: Tumor predisposition; Hereditary Cancer Syndrome; Hereditary neoplastic syndrome; Neoplastic Syndromes, Hereditary. Identifiers: Orphanet 140162, MedGen C0027672, MeSH D009386, MONDO:0015356.

Allele frequency attached by ClinVar (database versions not stated): gnomAD exomes below 0.00001; TOPMed below 0.00001.
gnomAD v4.1: 1 of 1,614,198 alleles (0.000062%); highest among the groups gnomAD compares: African/African-American, 0.0013%; no homozygotes.

Submissions (4):

Ambry Genetics
Classification: Uncertain significance for Hereditary cancer-predisposing syndrome. Last evaluated: 2026-02-02. Review status: criteria provided, single submitter. Criteria: Ambry Variant Classification Scheme 2023. Collection method: clinical testing. Allele origin: germline.
Comment: The p.Q1273H variant (also known as c.3819G>C), located in coding exon 9 of the BRCA1 gene, results from a G to C substitution at nucleotide position 3819. The glutamine at codon 1273 is replaced by histidine, an amino acid with highly similar properties. This amino acid position is not well conserved in available vertebrate species. In addition, the in silico prediction for this alteration is inconclusive. Based on the available evidence, the clinical significance of this variant remains unclear.

Labcorp Genetics (formerly Invitae), Labcorp
Classification: Uncertain significance for Hereditary breast ovarian cancer syndrome. Last evaluated: 2025-07-13. Review status: criteria provided, single submitter. Criteria: Invitae Variant Classification Sherloc (09022015). Collection method: clinical testing. Allele origin: germline.
Comment: This sequence change replaces glutamine, which is neutral and polar, with histidine, which is basic and polar, at codon 1273 of the BRCA1 protein (p.Gln1273His). This variant is present in population databases (no rsID available, gnomAD 0.007%). This variant has not been reported in the literature in individuals affected with BRCA1-related conditions. ClinVar contains an entry for this variant (Variation ID: 853265). Invitae Evidence Modeling of protein sequence and biophysical properties (such as structural, functional, and spatial information, amino acid conservation, physicochemical variation, residue mobility, and thermodynamic stability) indicates that this missense variant is not expected to disrupt BRCA1 protein function with a negative predictive value of 80%. In summary, the available evidence is currently insufficient to determine the role of this variant in disease. Therefore, it has been classified as a Variant of Uncertain Significance.

All of Us Research Program, National Institutes of Health
Classification: Uncertain significance for Breast-ovarian cancer, familial, susceptibility to, 1. Last evaluated: 2024-01-11. Review status: criteria provided, single submitter. Criteria: ACMG Guidelines, 2015. Collection method: clinical testing. Allele origin: germline. Inheritance: Autosomal dominant inheritance. Observed: 1 variant allele, 1 heterozygote.
Comment: This study involves interpretation of variants in research participants for the purpose of population health screening. Participant phenotype was not available at the time of variant classification. Additional details can be found in publication PMID: 35346344, PMCID: PMC8962531

University of Washington Department of Laboratory Medicine, University of Washington
Classification: Likely benign for Hereditary cancer-predisposing syndrome. Last evaluated: 2023-03-23. Review status: criteria provided, single submitter. Criteria: Dines et al. (Genet Med. 2020). Collection method: curation. Allele origin: germline.
Comment: Missense variant in a coldspot region where missense variants are very unlikely to be pathogenic (PMID:31911673).

BRCA1 coldspot (exon 11 using historical exon numbering). Reclassification based on statistical prior probability

NM_007294.4(BRCA1):c.3819G>C (p.Gln1273His)

Genes: BRCA1 (BRCA1 DNA repair associated; minus strand), LOC126862571 (BRD4-independent group 4 enhancer GRCh37_chr17:41243136-41244335; plus strand). Cytogenetic location: 17q21.31.
Variant type: single nucleotide variant.
Coding change: c.3819G>C on transcript NM_007294.4 (MANE Select); coding-DNA position 3819, G replaced by C.
Protein change: p.Gln1273His; replaces glutamine 1273 with histidine.
Molecular consequence: missense variant. On other transcripts: intron variant (135).
Genome position (GRCh38, 1-based): chr17:43,091,712, C>G on the plus strand (G>C on the coding strand, the complement: BRCA1 is on the minus strand). VCF-style: chr17-43091712-C-G. GRCh37 (hg19) VCF-style: chr17-41243729-C-G.
Other names: c.3438G>C, p.Gln1146His (NM_001407960.1, NM_001407963.1, NM_001407959.1); c.3435G>C, p.Gln1145His (NM_001407962.1); c.3675G>C, p.Gln1225His (NM_001407964.1, NM_001407740.1, NM_001407741.1 and 20 more transcripts); c.3315G>C, p.Gln1105His (NM_001407965.1); c.2931G>C, p.Gln977His (NM_001407966.1, NM_001407967.1); c.1215G>C, p.Gln405His (NM_001407968.1, NM_001407969.1); c.452-680G>C (NM_001408509.1, NM_001408508.1); c.575-680G>C (NM_001408491.1, NM_001408493.1, NM_001408490.1); and 41 more; short protein forms Q1273H, Q1226H, Q1203H, Q1231H, Q1232H, Q1247H, Q1270H, Q977H.
Identifiers: ClinVar variation 853265 (VCV000853265.15), dbSNP rs1293826790, ClinGen allele CA10594329.